The following is an entry in ClinVar:

NM_032043.3(BRIP1):c.196delinsCTC (p.Ser66fs)

Gene: BRIP1 (BRCA1 interacting DNA helicase 1; minus strand). Cytogenetic location: 17q23.2.
Variant type: Indel.
Coding change: c.196delinsCTC on transcript NM_032043.3 (MANE Select); coding-DNA position 196, T replaced by CTC.
Protein change: p.Ser66fs; shifts the reading frame from serine 66.
Molecular consequence: frameshift variant.
Genome position (GRCh38, 1-based): chr17:61,859,805, A replaced by GAG on the plus strand (T replaced by CTC on the coding strand, the reverse complement: BRIP1 is on the minus strand). VCF-style: chr17-61859805-A-GAG. GRCh37 (hg19) VCF-style: chr17-59937166-A-GAG.
Other names: short protein forms S66fs.
Identifiers: ClinVar variation 491425 (VCV000491425.6), dbSNP rs1555618375, ClinGen allele CA658684175.

ClinVar aggregate classification (germline): Pathogenic. Review status: criteria provided, multiple submitters, no conflicts (2 of 4 stars). 3 submissions from 3 submitters: Pathogenic (3). Last evaluated 2025-07-08.

Conditions:
Hereditary cancer-predisposing syndrome. Also called: Hereditary neoplastic syndrome; Tumor predisposition; Hereditary Cancer Syndrome; Neoplastic Syndromes, Hereditary. Identifiers: Orphanet 140162, MedGen C0027672, MeSH D009386, MONDO:0015356.
Familial cancer of breast. Also called: Hereditary breast cancer; hereditary breast carcinoma; BREAST CANCER, FAMILIAL. Identifiers: Orphanet 227535, MedGen C0346153, MONDO:0016419, OMIM 114480. Disease mechanism: loss of function.

Submissions (3):

Ambry Genetics
Classification: Pathogenic for Hereditary cancer-predisposing syndrome. Last evaluated: 2025-07-08. Review status: criteria provided, single submitter. Criteria: Ambry Variant Classification Scheme 2023. Collection method: clinical testing. Allele origin: germline.
Comment: The c.196delTinsCTC pathogenic mutation, located in coding exon 2 of the BRIP1 gene, results from the deletion of one nucleotide and insertion of 3 nucleotides causing a translational frameshift with a predicted alternate stop codon (p.S66Lfs*12). This variant is considered to be rare based on population cohorts in the Genome Aggregation Database (gnomAD). This alteration is expected to result in loss of function by premature protein truncation or nonsense-mediated mRNA decay. As such, this alteration is interpreted as a disease-causing mutation.

Myriad Genetics, Inc.
Classification: Pathogenic for Familial cancer of breast. Last evaluated: 2023-05-30. Review status: criteria provided, single submitter. Criteria: Myriad Autosomal Dominant, Autosomal Recessive and X-Linked Classification Criteria (2023). Collection method: clinical testing. Allele origin: unknown.
Comment: This variant is considered pathogenic. This variant creates a frameshift predicted to result in premature protein truncation.

Color Diagnostics, LLC DBA Color Health
Classification: Pathogenic for Hereditary cancer-predisposing syndrome. Last evaluated: 2017-10-05. Review status: criteria provided, single submitter. Criteria: ACMG Guidelines, 2015. Collection method: clinical testing. Allele origin: germline.